The following is an entry in ClinVar:

NM_000051.4(ATM):c.2332A>G (p.Asn778Asp)

Gene: ATM (ATM serine/threonine kinase; plus strand). Cytogenetic location: 11q22.3.
Variant type: single nucleotide variant.
Coding change: c.2332A>G on transcript NM_000051.4 (MANE Select); coding-DNA position 2332, A replaced by G.
Protein change: p.Asn778Asp; replaces asparagine 778 with aspartic acid.
Molecular consequence: missense variant.
Genome position (GRCh38, 1-based): chr11:108,257,562, A>G. VCF-style: chr11-108257562-A-G. GRCh37 (hg19) VCF-style: chr11-108128289-A-G.
Other names: c.2332A>G, p.Asn778Asp (NM_001351834.2); short protein forms N778D.
Identifiers: ClinVar variation 489525 (VCV000489525.16), dbSNP rs1555075751, ClinGen allele CA382540060.

ClinVar aggregate classification (germline): Uncertain significance. Review status: criteria provided, multiple submitters, no conflicts (2 of 4 stars). 3 submissions from 3 submitters: Uncertain significance (3). Last evaluated 2025-02-07.

Conditions:
Hereditary cancer-predisposing syndrome. Also called: Tumor predisposition; Neoplastic Syndromes, Hereditary; Hereditary Cancer Syndrome; Hereditary neoplastic syndrome. Identifiers: Orphanet 140162, MedGen C0027672, MeSH D009386, MONDO:0015356.
Ataxia-telangiectasia syndrome (AT). Also called: Ataxia-telangiectasia; Ataxia-telangiectasia, complementation group D; AT, COMPLEMENTATION GROUP C; LOUIS-BAR SYNDROME; Cerebello-oculocutaneous telangiectasia; Immunodeficiency with ataxia telangiectasia. Identifiers: Orphanet 100, MedGen C0004135, MONDO:0008840, OMIM 208900.

Submissions (3):

Labcorp Genetics (formerly Invitae), Labcorp
Classification: Uncertain significance for Ataxia-telangiectasia syndrome. Last evaluated: 2025-02-07. Review status: criteria provided, single submitter. Criteria: Invitae Variant Classification Sherloc (09022015). Collection method: clinical testing. Allele origin: germline.
Comment: This sequence change replaces asparagine, which is neutral and polar, with aspartic acid, which is acidic and polar, at codon 778 of the ATM protein (p.Asn778Asp). This variant is not present in population databases (gnomAD no frequency). This variant has not been reported in the literature in individuals affected with ATM-related conditions. ClinVar contains an entry for this variant (Variation ID: 489525). Invitae Evidence Modeling of protein sequence and biophysical properties (such as structural, functional, and spatial information, amino acid conservation, physicochemical variation, residue mobility, and thermodynamic stability) indicates that this missense variant is not expected to disrupt ATM protein function with a negative predictive value of 95%. In summary, the available evidence is currently insufficient to determine the role of this variant in disease. Therefore, it has been classified as a Variant of Uncertain Significance.

Color Diagnostics, LLC DBA Color Health
Classification: Uncertain significance for Hereditary cancer-predisposing syndrome. Last evaluated: 2024-03-06. Review status: criteria provided, single submitter. Criteria: ACMG Guidelines, 2015. Collection method: clinical testing. Allele origin: germline.
Comment: This missense variant replaces asparagine with aspartic acid at codon 778 of the ATM protein. Computational prediction suggests that this variant may not impact protein structure and function (internally defined REVEL score threshold <= 0.5, PMID: 27666373). Splice site prediction tools suggest that this variant may not impact RNA splicing. To our knowledge, functional studies have not been performed for this variant. This variant has not been reported in individuals affected with hereditary cancer in the literature. This variant has not been identified in the general population by the Genome Aggregation Database (gnomAD). The available evidence is insufficient to determine the role of this variant in disease conclusively. Therefore, this variant is classified as a Variant of Uncertain Significance.

Ambry Genetics
Classification: Uncertain significance for Hereditary cancer-predisposing syndrome. Last evaluated: 2023-03-31. Review status: criteria provided, single submitter. Criteria: Ambry Variant Classification Scheme 2023. Collection method: clinical testing. Allele origin: germline.
Comment: The p.N778D variant (also known as c.2332A>G), located in coding exon 14 of the ATM gene, results from an A to G substitution at nucleotide position 2332. The asparagine at codon 778 is replaced by aspartic acid, an amino acid with highly similar properties. This amino acid position is conserved. In addition, this alteration is predicted to be tolerated by in silico analysis. Since supporting evidence is limited at this time, the clinical significance of this alteration remains unclear.